The following is an entry in ClinVar:

NM_000038.6(APC):c.2666A>T (p.Lys889Ile)

Gene: APC (APC regulator of Wnt signaling pathway; plus strand). Cytogenetic location: 5q22.2.
Variant type: single nucleotide variant.
Coding change: c.2666A>T on transcript NM_000038.6 (MANE Select); coding-DNA position 2666, A replaced by T.
Protein change: p.Lys889Ile; replaces lysine 889 with isoleucine.
Molecular consequence: missense variant. On other transcripts: non-coding transcript variant (2).
Genome position (GRCh38, 1-based): chr5:112,838,260, A>T. VCF-style: chr5-112838260-A-T. GRCh37 (hg19) VCF-style: chr5-112173957-A-T.
Other names: c.2666A>T, p.Lys889Ile (NM_001127510.3, NM_001354895.2, NM_001407450.1); c.2612A>T, p.Lys871Ile (NM_001127511.3); c.2720A>T, p.Lys907Ile (NM_001354896.2, NM_001407447.1, NM_001407448.1 and 1 more transcripts); c.2696A>T, p.Lys899Ile (NM_001354897.2); c.2591A>T, p.Lys864Ile (NM_001354898.2); c.2582A>T, p.Lys861Ile (NM_001354899.2); c.2543A>T, p.Lys848Ile (NM_001354900.2); c.2489A>T, p.Lys830Ile (NM_001354901.2, NM_001407453.1); and 11 more; short protein forms K505I, K606I, K729I, K760I, K763I, K788I, K798I, K806I.
Identifiers: ClinVar variation 4801455 (VCV004801455.1).

ClinVar aggregate classification (germline): Uncertain significance (1 of 4 stars; one submission).

Conditions:
Familial adenomatous polyposis 1 (FAP1). Also called: FAMILIAL ADENOMATOUS POLYPOSIS 1, ATTENUATED; POLYPOSIS, ADENOMATOUS INTESTINAL. Identifiers: MedGen C2713442, MONDO:0021056, OMIM 175100. Disease mechanism: loss of function.

Submission:

Labcorp Genetics (formerly Invitae), Labcorp
Classification: Uncertain significance for Familial adenomatous polyposis 1. Last evaluated: 2025-04-13. Review status: criteria provided, single submitter. Criteria: Invitae Variant Classification Sherloc (09022015). Collection method: clinical testing. Allele origin: germline.
Comment: This sequence change replaces lysine, which is basic and polar, with isoleucine, which is neutral and non-polar, at codon 889 of the APC protein (p.Lys889Ile). This variant is not present in population databases (gnomAD no frequency). This variant has not been reported in the literature in individuals affected with APC-related conditions. Invitae Evidence Modeling of protein sequence and biophysical properties (such as structural, functional, and spatial information, amino acid conservation, physicochemical variation, residue mobility, and thermodynamic stability) indicates that this missense variant is not expected to disrupt APC protein function with a negative predictive value of 95%. In summary, the available evidence is currently insufficient to determine the role of this variant in disease. Therefore, it has been classified as a Variant of Uncertain Significance.